The following is an entry in ClinVar:

ClinVar aggregate classification (germline): Uncertain significance (1 of 4 stars; one submission).

gnomAD v4.1: 6 of 1,611,756 alleles (0.00037%); highest among the groups gnomAD compares: South Asian, 0.0011%; no homozygotes.

Submission:

Labcorp Genetics (formerly Invitae), Labcorp
Classification: Uncertain significance. Last evaluated: 2024-10-27. Review status: criteria provided, single submitter. Criteria: Invitae Variant Classification Sherloc (09022015). Collection method: clinical testing. Allele origin: germline.
Comment: This sequence change replaces valine, which is neutral and non-polar, with isoleucine, which is neutral and non-polar, at codon 187 of the ITPR1 protein (p.Val187Ile). This variant is not present in population databases (gnomAD no frequency). This variant has not been reported in the literature in individuals affected with ITPR1-related conditions. Invitae Evidence Modeling of protein sequence and biophysical properties (such as structural, functional, and spatial information, amino acid conservation, physicochemical variation, residue mobility, and thermodynamic stability) has been performed for this missense variant. However, the output from this modeling did not meet the statistical confidence thresholds required to predict the impact of this variant on ITPR1 protein function. In summary, the available evidence is currently insufficient to determine the role of this variant in disease. Therefore, it has been classified as a Variant of Uncertain Significance.

NM_001378452.1(ITPR1):c.559G>A (p.Val187Ile)

Gene: ITPR1 (inositol 1,4,5-trisphosphate receptor type 1; plus strand). Cytogenetic location: 3p26.1.
Variant type: single nucleotide variant.
Coding change: c.559G>A on transcript NM_001378452.1 (MANE Select); coding-DNA position 559, G replaced by A.
Protein change: p.Val187Ile; replaces valine 187 with isoleucine.
Molecular consequence: missense variant.
Genome position (GRCh38, 1-based): chr3:4,644,169, G>A. VCF-style: chr3-4644169-G-A. GRCh37 (hg19) VCF-style: chr3-4685853-G-A.
Other names: c.559G>A, p.Val187Ile (NM_001099952.4, NM_001168272.2, NM_002222.7); short protein forms V187I.
Identifiers: ClinVar variation 3684021 (VCV003684021.2).